The following is an entry in ClinVar:

NM_001401501.2(MUC16):c.42521C>T (p.Thr14174Ile)

Gene: MUC16 (mucin 16, cell surface associated; minus strand). Cytogenetic location: 19p13.2.
Variant type: single nucleotide variant.
Coding change: c.42521C>T on transcript NM_001401501.2 (MANE Select); coding-DNA position 42521, C replaced by T.
Protein change: p.Thr14174Ile; replaces threonine 14174 with isoleucine.
Molecular consequence: missense variant.
Genome position (GRCh38, 1-based): chr19:8,892,969, G>A on the plus strand (C>T on the coding strand, the complement: MUC16 is on the minus strand). VCF-style: chr19-8892969-G-A. GRCh37 (hg19) VCF-style: chr19-9003645-G-A.
Other names: c.42947C>T, p.Thr14316Ile (NM_001414686.1); c.42401C>T, p.Thr14134Ile (NM_001414687.1); c.39995C>T, p.Thr13332Ile (NM_024690.2); short protein forms T13332I, T14134I, T14174I, T14316I.
Identifiers: ClinVar variation 3059620 (VCV003059620.2), dbSNP rs11085777, ClinGen allele CA9163696.

ClinVar aggregate classification (germline): Benign (0 of 4 stars; one submission).

Conditions:
MUC16-related disorder. Also called: MUC16-related condition.

Allele frequency attached by ClinVar (database versions not stated): 1000 Genomes Project 30x 0.25062; 1000 Genomes Project 0.25220; gnomAD 0.30814; ESP Exome Variant Server 0.30868; ExAC 0.34544; gnomAD exomes 0.38681.

Submission:

PreventionGenetics, part of Exact Sciences
Classification: Benign for MUC16-related condition. Last evaluated: 2019-10-21. Review status: no assertion criteria provided. Collection method: clinical testing. Allele origin: germline.
Comment: This variant is classified as benign based on ACMG/AMP sequence variant interpretation guidelines (Richards et al. 2015 PMID: 25741868, with internal and published modifications).